The following is an entry in ClinVar:

ClinVar aggregate classification (germline): Uncertain significance. Review status: criteria provided, multiple submitters, no conflicts (2 of 4 stars). 3 submissions from 3 submitters: Uncertain significance (3). Last evaluated 2024-10-03.

Conditions:
Hereditary cancer-predisposing syndrome. Also called: Neoplastic Syndromes, Hereditary; Hereditary Cancer Syndrome; Hereditary neoplastic syndrome; Tumor predisposition. Identifiers: Orphanet 140162, MedGen C0027672, MeSH D009386, MONDO:0015356.
Bloom syndrome (BLM). Also called: Bloom-Torre-Machacek syndrome. Identifiers: Orphanet 125, MedGen C0005859, MONDO:0008876, OMIM 210900.

Allele frequency attached by ClinVar (database versions not stated): ExAC 0.00001.

Submissions (3):

GeneDx
Classification: Uncertain significance. Last evaluated: 2024-10-03. Review status: criteria provided, single submitter. Criteria: GeneDx Variant Classification Process June 2021. Collection method: clinical testing. Allele origin: germline. Affected: yes.
Comment: Not observed at significant frequency in large population cohorts (gnomAD); In silico analysis supports that this missense variant has a deleterious effect on protein structure/function; Has not been previously published as pathogenic or benign to our knowledge

Labcorp Genetics (formerly Invitae), Labcorp
Classification: Uncertain significance for Bloom syndrome. Last evaluated: 2024-01-25. Review status: criteria provided, single submitter. Criteria: Invitae Variant Classification Sherloc (09022015). Collection method: clinical testing. Allele origin: germline.
Comment: This sequence change replaces valine, which is neutral and non-polar, with alanine, which is neutral and non-polar, at codon 1077 of the BLM protein (p.Val1077Ala). This variant is present in population databases (rs748158921, gnomAD 0.0009%). This variant has not been reported in the literature in individuals affected with BLM-related conditions. ClinVar contains an entry for this variant (Variation ID: 2106067). Advanced modeling of protein sequence and biophysical properties (such as structural, functional, and spatial information, amino acid conservation, physicochemical variation, residue mobility, and thermodynamic stability) performed at Invitae indicates that this missense variant is not expected to disrupt BLM protein function with a negative predictive value of 80%. In summary, the available evidence is currently insufficient to determine the role of this variant in disease. Therefore, it has been classified as a Variant of Uncertain Significance.

Ambry Genetics
Classification: Uncertain significance for Hereditary cancer-predisposing syndrome. Last evaluated: 2022-11-20. Review status: criteria provided, single submitter. Criteria: Ambry Variant Classification Scheme 2023. Collection method: clinical testing. Allele origin: germline.
Comment: The p.V1077A variant (also known as c.3230T>C), located in coding exon 16 of the BLM gene, results from a T to C substitution at nucleotide position 3230. The valine at codon 1077 is replaced by alanine, an amino acid with similar properties. This amino acid position is conserved. In addition, the in silico prediction for this alteration is inconclusive. Since supporting evidence is limited at this time, the clinical significance of this alteration remains unclear.

NM_000057.4(BLM):c.3230T>C (p.Val1077Ala)

Gene: BLM (BLM RecQ like helicase; plus strand). Cytogenetic location: 15q26.1.
Variant type: single nucleotide variant.
Coding change: c.3230T>C on transcript NM_000057.4 (MANE Select); coding-DNA position 3230, T replaced by C.
Protein change: p.Val1077Ala; replaces valine 1077 with alanine.
Molecular consequence: missense variant.
Genome position (GRCh38, 1-based): chr15:90,798,209, T>C. VCF-style: chr15-90798209-T-C. GRCh37 (hg19) VCF-style: chr15-91341439-T-C.
Other names: c.3230T>C, p.Val1077Ala (NM_001287246.2, NM_001287247.2); c.2105T>C, p.Val702Ala (NM_001287248.2); short protein forms V702A, V1077A.
Identifiers: ClinVar variation 2106067 (VCV002106067.7), dbSNP rs748158921, ClinGen allele CA7738968.